The following is an entry in ClinVar:

NM_017950.4(CCDC40):c.2721T>G (p.Ile907Met)

Gene: CCDC40 (coiled-coil domain 40 molecular ruler complex subunit; plus strand). Cytogenetic location: 17q25.3.
Variant type: single nucleotide variant.
Coding change: c.2721T>G on transcript NM_017950.4 (MANE Select); coding-DNA position 2721, T replaced by G.
Protein change: p.Ile907Met; replaces isoleucine 907 with methionine.
Molecular consequence: missense variant.
Genome position (GRCh38, 1-based): chr17:80,089,773, T>G. VCF-style: chr17-80089773-T-G. GRCh37 (hg19) VCF-style: chr17-78063572-T-G.
Other names: c.2721T>G, p.Ile907Met (NM_001243342.2); short protein forms I907M.
Identifiers: ClinVar variation 1346011 (VCV001346011.5), dbSNP rs2038663366, ClinGen allele CA401350800.

ClinVar aggregate classification (germline): Uncertain significance (1 of 4 stars; one submission).

Conditions:
Primary ciliary dyskinesia. Also called: Ciliary dyskinesia. Identifiers: Orphanet 244, MedGen C0008780, MONDO:0016575, HP:0012265.

Allele frequency attached by ClinVar (database versions not stated): TOPMed below 0.00001.

Submission:

Labcorp Genetics (formerly Invitae), Labcorp
Classification: Uncertain significance for Primary ciliary dyskinesia. Last evaluated: 2021-08-31. Review status: criteria provided, single submitter. Criteria: Invitae Variant Classification Sherloc (09022015). Collection method: clinical testing. Allele origin: germline.
Comment: This sequence change replaces isoleucine with methionine at codon 907 of the CCDC40 protein (p.Ile907Met). The isoleucine residue is highly conserved and there is a small physicochemical difference between isoleucine and methionine. This variant is not present in population databases (ExAC no frequency). This variant has not been reported in the literature in individuals affected with CCDC40-related conditions. Algorithms developed to predict the effect of missense changes on protein structure and function are either unavailable or do not agree on the potential impact of this missense change (SIFT: "Deleterious"; PolyPhen-2: "Probably Damaging"; Align-GVGD: "Class C0"). In summary, the available evidence is currently insufficient to determine the role of this variant in disease. Therefore, it has been classified as a Variant of Uncertain Significance.